The following is an entry in ClinVar:

ClinVar aggregate classification (germline): Uncertain significance (1 of 4 stars; one submission).

Allele frequency attached by ClinVar (database versions not stated): gnomAD exomes 0.00001; TOPMed 0.00001.
gnomAD v4.1: 15 of 1,613,168 alleles (0.00093%); highest among the groups gnomAD compares: East Asian, 0.0045%; no homozygotes.

Submission:

CeGaT Center for Human Genetics Tuebingen
Classification: Uncertain significance. Last evaluated: 2023-01-01. Review status: criteria provided, single submitter. Criteria: CeGaT Center For Human Genetics Tuebingen Variant Classification Criteria Version 2. Collection method: clinical testing. Allele origin: germline. Affected: yes. Observed: 1 variant allele.
Comment: DNMBP: PM2

NM_015221.4(DNMBP):c.3814C>T (p.Gln1272Ter)

Gene: DNMBP (dynamin binding protein; minus strand). Cytogenetic location: 10q24.2.
Variant type: single nucleotide variant.
Coding change: c.3814C>T on transcript NM_015221.4 (MANE Select); coding-DNA position 3814, C replaced by T.
Protein change: p.Gln1272Ter; replaces glutamine 1272 with a stop codon.
Molecular consequence: nonsense.
Genome position (GRCh38, 1-based): chr10:99,884,194, G>A on the plus strand (C>T on the coding strand, the complement: DNMBP is on the minus strand). VCF-style: chr10-99884194-G-A. GRCh37 (hg19) VCF-style: chr10-101643951-G-A.
Other names: c.2710C>T, p.Gln904Ter (NM_001318326.2); c.1552C>T, p.Gln518Ter (NM_001318327.2); short protein forms Q1272*, Q560*, Q904*, Q518*.
Identifiers: ClinVar variation 2640754 (VCV002640754.24), dbSNP rs1234309428, ClinGen allele CA378115535.